The following is an entry in ClinVar:

NM_000059.4(BRCA2):c.1134del (p.Ser378fs)

Gene: BRCA2 (BRCA2 DNA repair associated; plus strand). Cytogenetic location: 13q13.1.
Variant type: Deletion.
Coding change: c.1134del on transcript NM_000059.4 (MANE Select); coding-DNA position 1134, one base deleted (T; older notation c.1134delT).
Protein change: p.Ser378fs; shifts the reading frame from serine 378.
Molecular consequence: frameshift variant.
Genome position (GRCh38, 1-based): chr13:32,332,612, T deleted. VCF-style (leftmost placement, unchanged base first): chr13-32332611-GT-G. GRCh37 (hg19) VCF-style: chr13-32906748-GT-G.
Other names: 1362delT; c.1134delT (NM_000059.3).
Identifiers: ClinVar variation 230478 (VCV000230478.27), dbSNP rs876658589, ClinGen allele CA10579485.

ClinVar aggregate classification (germline): Pathogenic. Review status: reviewed by expert panel (3 of 4 stars). 4 submissions from 4 submitters: Pathogenic (1). 3 of the submissions do not count toward it. Last evaluated 2016-10-18.

Conditions:
Hereditary cancer-predisposing syndrome. Also called: Hereditary Cancer Syndrome; Neoplastic Syndromes, Hereditary; Tumor predisposition; Hereditary neoplastic syndrome. Identifiers: Orphanet 140162, MedGen C0027672, MeSH D009386, MONDO:0015356.
Breast-ovarian cancer, familial, susceptibility to, 2 (BROVCA2). Also called: BRCA2 Hereditary Breast and Ovarian Cancer. Identifiers: Orphanet 145, MedGen C2675520, MONDO:0012933, OMIM 612555. Disease mechanism: loss of function.

Submissions (4):

Evidence-based Network for the Interpretation of Germline Mutant Alleles (ENIGMA)
Classification: Pathogenic for Breast-ovarian cancer, familial, susceptibility to, 2. Last evaluated: 2016-10-18. Review status: reviewed by expert panel. Criteria: ENIGMA BRCA1/2 Classification Criteria (2015). Collection method: curation. Allele origin: germline.
Comment: Variant allele predicted to encode a truncated non-functional protein.

Ambry Genetics
Classification: Pathogenic for Hereditary cancer-predisposing syndrome. Last evaluated: 2023-06-23. Review status: criteria provided, single submitter. Criteria: Ambry Variant Classification Scheme 2023. Collection method: clinical testing. Allele origin: germline. Not counted in ClinVar's aggregate classification.
Comment: The c.1134delT pathogenic mutation, located in coding exon 9 of the BRCA2 gene, results from a deletion of one nucleotide at nucleotide position 1134, causing a translational frameshift with a predicted alternate stop codon (p.S378Rfs*21). This alteration is expected to result in loss of function by premature protein truncation or nonsense-mediated mRNA decay. As such, this alteration is interpreted as a disease-causing mutation.

Consortium of Investigators of Modifiers of BRCA1/2 (CIMBA), c/o University of Cambridge
Classification: Pathogenic for Breast-ovarian cancer, familial, susceptibility to, 2. Last evaluated: 2015-10-02. Review status: criteria provided, single submitter. Criteria: CIMBA Mutation Classification guidelines May 2016. Collection method: clinical testing. Allele origin: germline. Not counted in ClinVar's aggregate classification.

BRCAlab, Lund University
Classification: Pathogenic for Breast-ovarian cancer, familial, susceptibility to, 2. Last evaluated: 2022-08-26. Review status: no assertion criteria provided. Collection method: clinical testing. Allele origin: germline. Affected: yes. Not counted in ClinVar's aggregate classification.